The following is an entry in ClinVar:

ClinVar aggregate classification (germline): Conflicting classifications of pathogenicity. Review status: criteria provided, conflicting classifications (1 of 4 stars). 5 submissions from 5 submitters: Uncertain significance (3); Likely benign (1). 1 of the submissions does not count toward it. Last evaluated 2026-01-24.

Conditions:
Nephronophthisis. Also called: Juvenile Nephronophthisis. Identifiers: Orphanet 655, MedGen C0687120, MONDO:0019005, HP:0000090.
Infantile nephronophthisis (NPHP2). Also called: Nephronophthisis 2; Nephronophthisis 2, infantile. Identifiers: Orphanet 655, Orphanet 93591, MedGen C1865872, MONDO:0011190, OMIM 602088.
INVS-related disorder. Also called: INVS-related condition.

Allele frequency attached by ClinVar (database versions not stated): TOPMed 0.00022; gnomAD 0.00032; 1000 Genomes Project 0.00120; 1000 Genomes Project 30x 0.00125.
gnomAD v4.1: 190 of 1,613,658 alleles (0.012%); highest among the groups gnomAD compares: East Asian, 0.21%; no homozygotes.

Submissions (5):

Labcorp Genetics (formerly Invitae), Labcorp
Classification: Likely benign for Nephronophthisis. Last evaluated: 2026-01-24. Review status: criteria provided, single submitter. Criteria: Invitae Variant Classification Sherloc (09022015). Collection method: clinical testing. Allele origin: germline.

Blueprint Genetics
Classification: Uncertain significance. Last evaluated: 2024-10-08. Review status: criteria provided, single submitter. Criteria: ACMG Guidelines, 2015. Collection method: clinical testing. Allele origin: germline.

Eurofins Ntd Llc (ga)
Classification: Uncertain significance. Last evaluated: 2018-09-04. Review status: criteria provided, single submitter. Criteria: EGL ClinVar v180209 classification definitions. Collection method: clinical testing. Allele origin: germline. Observed: 1 variant allele, 1 heterozygote.

Illumina Laboratory Services, Illumina
Classification: Uncertain significance for Infantile nephronophthisis. Last evaluated: 2018-01-12. Review status: criteria provided, single submitter. Criteria: ICSL Variant Classification Criteria 13 December 2019. Collection method: clinical testing. Allele origin: germline.

PreventionGenetics, part of Exact Sciences
Classification: Likely benign for INVS-related condition. Last evaluated: 2022-04-27. Review status: no assertion criteria provided. Collection method: clinical testing. Allele origin: germline. Not counted in ClinVar's aggregate classification.
Comment: This variant is classified as likely benign based on ACMG/AMP sequence variant interpretation guidelines (Richards et al. 2015 PMID: 25741868, with internal and published modifications).

NM_014425.5(INVS):c.118C>G (p.Leu40Val)

Gene: INVS (inversin; plus strand). Cytogenetic location: 9q31.1.
Variant type: single nucleotide variant.
Coding change: c.118C>G on transcript NM_014425.5 (MANE Select); coding-DNA position 118, C replaced by G.
Protein change: p.Leu40Val; replaces leucine 40 with valine.
Molecular consequence: missense variant. On other transcripts: 5 prime UTR variant (2), non-coding transcript variant (1).
Genome position (GRCh38, 1-based): chr9:100,126,394, C>G. VCF-style: chr9-100126394-C-G. GRCh37 (hg19) VCF-style: chr9-102888676-C-G.
Other names: c.-259C>G (NM_001318381.2); c.-872C>G (NM_001318382.2); c.118C>G (NM_014425.4); short protein forms L40V.
Identifiers: ClinVar variation 364221 (VCV000364221.20), dbSNP rs148219510, ClinGen allele CA5158084.